The following is an entry in ClinVar:

ClinVar aggregate classification (germline): Likely pathogenic (1 of 4 stars; one submission).

Conditions:
Glutaric acidemia type 2C.

Submission:

Natera, Inc.
Classification: Likely pathogenic for Glutaric acidemia type 2C. Last evaluated: 2025-06-30. Review status: criteria provided, single submitter. Criteria: Natera Variant Classification Schema (03/2026). Collection method: clinical testing. Allele origin: germline.
Comment: The c.577G>A variant in ETFDH is a missense variant predicted to cause substitution of glutamic acid to lysine at amino acid 193. This variant is rare in the general population with a frequency below the threshold expected for the associated phenotype(s). This variant has been observed in one or more individuals affected with the associated recessive disease, as either homozygous or compound heterozygous with a second variant (PMID: 36406819). This variant has been identified in one or more affected individuals with a phenotype highly consistent with the associated gene (PMID: 36406819). Computational prediction algorithms indicate this variant is likely to affect gene or protein function. Given the available evidence, this variant is classified as Likely Pathogenic.

Literature cited by the submitters: PubMed 36406819.

NM_004453.4(ETFDH):c.577G>A (p.Glu193Lys)

Gene: ETFDH (electron transfer flavoprotein dehydrogenase; plus strand). Cytogenetic location: 4q32.1.
Variant type: single nucleotide variant.
Coding change: c.577G>A on transcript NM_004453.4 (MANE Select); coding-DNA position 577, G replaced by A.
Protein change: p.Glu193Lys; replaces glutamic acid 193 with lysine.
Molecular consequence: missense variant.
Genome position (GRCh38, 1-based): chr4:158,685,190, G>A. VCF-style: chr4-158685190-G-A. GRCh37 (hg19) VCF-style: chr4-159606342-G-A.
Other names: c.436G>A, p.Glu146Lys (NM_001281737.2); c.394G>A, p.Glu132Lys (NM_001281738.1); short protein forms E132K, E146K, E193K.
Identifiers: ClinVar variation 4815351 (VCV004815351.1).